The following is an entry in ClinVar:

NM_032242.4(PLXNA1):c.3882C>T (p.Leu1294=)

Gene: PLXNA1 (plexin A1; plus strand). Cytogenetic location: 3q21.3.
Variant type: single nucleotide variant.
Coding change: c.3882C>T on transcript NM_032242.4 (MANE Select); coding-DNA position 3882, C replaced by T.
Protein change: p.Leu1294=; no amino-acid change (leucine 1294 retained).
Molecular consequence: synonymous variant.
Genome position (GRCh38, 1-based): chr3:127,018,515, C>T. VCF-style: chr3-127018515-C-T. GRCh37 (hg19) VCF-style: chr3-126737358-C-T.
Other names: c.3882C>T (NM_032242.3).
Identifiers: ClinVar variation 4534426 (VCV004534426.7).

ClinVar aggregate classification (germline): Likely benign. Review status: criteria provided, multiple submitters, no conflicts (2 of 4 stars). 2 submissions from 2 submitters: Likely benign (2). Last evaluated 2026-04-05.

Conditions:
PLXNA1-related disorder. Also called: PLXNA1-related condition.

gnomAD v4.1: 15 of 1,608,662 alleles (0.00093%); highest among the groups gnomAD compares: Middle Eastern, 0.016%; no homozygotes.

Submissions (2):

PreventionGenetics, part of Exact Sciences
Classification: Likely benign for PLXNA1-related condition. Last evaluated: 2026-04-05. Review status: criteria provided, single submitter. Criteria: ACMG Guidelines, 2015. Collection method: clinical testing. Allele origin: germline.
Comment: This variant is classified as likely benign based on ACMG/AMP sequence variant interpretation guidelines (Richards et al. 2015 PMID: 25741868, with internal and published modifications).

CeGaT Center for Human Genetics Tuebingen
Classification: Likely benign. Last evaluated: 2025-10-01. Review status: criteria provided, single submitter. Criteria: CeGaT Center For Human Genetics Tuebingen Variant Classification Criteria Version 2. Collection method: clinical testing. Allele origin: germline. Affected: yes. Observed: 1 variant allele.
Comment: PLXNA1: BP4, BP7